The following is an entry in ClinVar:

ClinVar aggregate classification (germline): Uncertain significance (1 of 4 stars; one submission).

Conditions:
CHARGE syndrome (CHARGE). Also called: Hittner Hirsch Kreh syndrome; CHARGE ASSOCIATION--COLOBOMA, HEART ANOMALY, CHOANAL ATRESIA, RETARDATION, GENITAL AND EAR ANOMALIES; Coloboma, heart anomaly, choanal atresia, retardation, genital and ear anomalies; CHARGE association; Hall-Hittner syndrome. Identifiers: Orphanet 138, MedGen C0265354, MONDO:0008965.

Submission:

Labcorp Genetics (formerly Invitae), Labcorp
Classification: Uncertain significance for CHARGE syndrome. Last evaluated: 2023-12-15. Review status: criteria provided, single submitter. Criteria: Invitae Variant Classification Sherloc (09022015). Collection method: clinical testing. Allele origin: germline.
Comment: This sequence change replaces tyrosine, which is neutral and polar, with asparagine, which is neutral and polar, at codon 160 of the CHD7 protein (p.Tyr160Asn). This variant is not present in population databases (gnomAD no frequency). This variant has not been reported in the literature in individuals affected with CHD7-related conditions. Advanced modeling of protein sequence and biophysical properties (such as structural, functional, and spatial information, amino acid conservation, physicochemical variation, residue mobility, and thermodynamic stability) has been performed at Invitae for this missense variant, however the output from this modeling did not meet the statistical confidence thresholds required to predict the impact of this variant on CHD7 protein function. In summary, the available evidence is currently insufficient to determine the role of this variant in disease. Therefore, it has been classified as a Variant of Uncertain Significance.

NM_017780.4(CHD7):c.478T>A (p.Tyr160Asn)

Gene: CHD7 (chromodomain helicase DNA binding protein 7; plus strand). Cytogenetic location: 8q12.2.
Variant type: single nucleotide variant.
Coding change: c.478T>A on transcript NM_017780.4 (MANE Select); coding-DNA position 478, T replaced by A.
Protein change: p.Tyr160Asn; replaces tyrosine 160 with asparagine.
Molecular consequence: missense variant.
Genome position (GRCh38, 1-based): chr8:60,741,910, T>A. VCF-style: chr8-60741910-T-A. GRCh37 (hg19) VCF-style: chr8-61654469-T-A.
Other names: c.478T>A, p.Tyr160Asn (NM_001316690.1); short protein forms Y160N.
Identifiers: ClinVar variation 2703401 (VCV002703401.3), dbSNP rs2487264091, ClinGen allele CA371297517.